The following is an entry in ClinVar:

ClinVar aggregate classification (germline): Uncertain significance. Review status: criteria provided, multiple submitters, no conflicts (2 of 4 stars). 3 submissions from 3 submitters: Uncertain significance (2). 1 of the submissions does not count toward it. Last evaluated 2024-04-16.

Conditions:
Retinal dystrophy. Also called: Inherited retinal dystrophy. Identifiers: Orphanet 71862, MedGen C0854723, MeSH D058499, MONDO:0019118, HP:0000556.

Allele frequency attached by ClinVar (database versions not stated): gnomAD exomes 0.00001; TOPMed 0.00001.
gnomAD v4.1: 13 of 1,551,626 alleles (0.00084%); highest among the groups gnomAD compares: Middle Eastern, 0.034%; no homozygotes.

Submissions (3):

Labcorp Genetics (formerly Invitae), Labcorp
Classification: Uncertain significance. Last evaluated: 2024-04-16. Review status: criteria provided, single submitter. Criteria: Invitae Variant Classification Sherloc (09022015). Collection method: clinical testing. Allele origin: germline.
Comment: This sequence change replaces aspartic acid, which is acidic and polar, with asparagine, which is neutral and polar, at codon 127 of the CDHR1 protein (p.Asp127Asn). The frequency data for this variant in the population databases is considered unreliable, as metrics indicate poor data quality at this position in the gnomAD database. This variant has not been reported in the literature in individuals affected with CDHR1-related conditions. ClinVar contains an entry for this variant (Variation ID: 1002826). Advanced modeling of protein sequence and biophysical properties (such as structural, functional, and spatial information, amino acid conservation, physicochemical variation, residue mobility, and thermodynamic stability) performed at Invitae indicates that this missense variant is not expected to disrupt CDHR1 protein function with a negative predictive value of 80%. In summary, the available evidence is currently insufficient to determine the role of this variant in disease. Therefore, it has been classified as a Variant of Uncertain Significance.

Blueprint Genetics
Classification: Uncertain significance. Last evaluated: 2023-12-28. Review status: criteria provided, single submitter. Criteria: ACMG Guidelines, 2015. Collection method: clinical testing. Allele origin: germline.

Institute of Human Genetics, Univ. Regensburg, Univ. Regensburg
Classification: Uncertain significance for Retinal dystrophy. Last evaluated: 2017-01-01. Review status: no assertion criteria provided. Criteria: ACMG Guidelines, 2015. Collection method: clinical testing. Allele origin: germline. Affected: yes. Not counted in ClinVar's aggregate classification.

NM_033100.4(CDHR1):c.379G>A (p.Asp127Asn)

Gene: CDHR1 (cadherin related family member 1; plus strand). Cytogenetic location: 10q23.1.
Variant type: single nucleotide variant.
Coding change: c.379G>A on transcript NM_033100.4 (MANE Select); coding-DNA position 379, G replaced by A.
Protein change: p.Asp127Asn; replaces aspartic acid 127 with asparagine.
Molecular consequence: missense variant.
Genome position (GRCh38, 1-based): chr10:84,199,062, G>A. VCF-style: chr10-84199062-G-A. GRCh37 (hg19) VCF-style: chr10-85958818-G-A.
Other names: c.379G>A, p.Asp127Asn (NM_001171971.3); short protein forms D127N.
Identifiers: ClinVar variation 1002826 (VCV001002826.10), dbSNP rs1189565760, ClinGen allele CA377371001.